The following is an entry in ClinVar:

NM_000222.3(KIT):c.396G>A (p.Thr132=)

Gene: KIT (KIT proto-oncogene, receptor tyrosine kinase; plus strand). Cytogenetic location: 4q12.
Variant type: single nucleotide variant.
Coding change: c.396G>A on transcript NM_000222.3 (MANE Select); coding-DNA position 396, G replaced by A.
Protein change: p.Thr132=; no amino-acid change (threonine 132 retained).
Molecular consequence: synonymous variant.
Genome position (GRCh38, 1-based): chr4:54,698,342, G>A. VCF-style: chr4-54698342-G-A. GRCh37 (hg19) VCF-style: chr4-55564508-G-A.
Other names: c.396G>A, p.Thr132= (NM_001093772.2, NM_001385284.1, NM_001385285.1 and 4 more transcripts).
Identifiers: ClinVar variation 458946 (VCV000458946.17), dbSNP rs149172424, ClinGen allele CA2923238.
Genomic context (GRCh38, chr4:54,698,342, plus strand): 5'-AGATCCTGCCAAGCTTTTCCTTGTTGACCGCTCCTTGTATGGGAAAGAAGACAACGACAC[G>A]CTGGTCCGCTGTCCTCTCACAGACCCAGAAGTGACCAATTATTCCCTCAAGGGGTGCCAG-3'
Protein context (NP_000213.1, residues 122-142): RSLYGKEDND[Thr132=]LVRCPLTDPE

ClinVar aggregate classification (germline): Benign/Likely benign. Review status: criteria provided, multiple submitters, no conflicts (2 of 4 stars). 5 submissions from 5 submitters: Benign (1); Likely benign (4). Last evaluated 2026-08-02.

Conditions:
KIT-related disorder. Also called: KIT-related condition.
Hereditary cancer-predisposing syndrome. Also called: Tumor predisposition; Hereditary neoplastic syndrome; Neoplastic Syndromes, Hereditary; Hereditary Cancer Syndrome. Identifiers: Orphanet 140162, MedGen C0027672, MeSH D009386, MONDO:0015356.
Gastrointestinal stromal tumor. Also called: Gastrointestinal stromal tumor, somatic; Gastrointestinal stroma tumor. Identifiers: Orphanet 44890, MedGen C0238198, MeSH D046152, MONDO:0011719, OMIM 606764, HP:0100723.

Allele frequency attached by ClinVar (database versions not stated): ExAC 0.00001; gnomAD exomes 0.00001; gnomAD 0.00004; TOPMed 0.00004; ESP Exome Variant Server 0.00008.
gnomAD v4.1: 43 of 1,613,894 alleles (0.0027%); highest among the groups gnomAD compares: African/African-American, 0.004%; no homozygotes.

Submissions (5):

PreventionGenetics, part of Exact Sciences
Classification: Likely benign for KIT-related condition. Last evaluated: 2026-08-02. Review status: criteria provided, single submitter. Criteria: ACMG Guidelines, 2015. Collection method: clinical testing. Allele origin: germline.
Comment: This variant is classified as likely benign based on ACMG/AMP sequence variant interpretation guidelines (Richards et al. 2015 PMID: 25741868, with internal and published modifications).

Myriad Genetics, Inc.
Classification: Benign for Gastrointestinal stromal tumor. Last evaluated: 2026-06-03. Review status: criteria provided, single submitter. Criteria: Myriad Autosomal Dominant, Autosomal Recessive and X-Linked Classification Criteria (2023). Collection method: clinical testing. Allele origin: unknown.
Comment: This variant is considered benign. This variant is a silent/synonymous amino acid change and it is not expected to impact splicing.

Labcorp Genetics (formerly Invitae), Labcorp
Classification: Likely benign for Gastrointestinal stromal tumor. Last evaluated: 2026-01-05. Review status: criteria provided, single submitter. Criteria: Invitae Variant Classification Sherloc (09022015). Collection method: clinical testing. Allele origin: germline.

Blueprint Genetics
Classification: Likely benign. Last evaluated: 2024-10-11. Review status: criteria provided, single submitter. Criteria: ACMG Guidelines, 2015. Collection method: clinical testing. Allele origin: germline.

Ambry Genetics
Classification: Likely benign for Hereditary cancer-predisposing syndrome. Last evaluated: 2022-02-24. Review status: criteria provided, single submitter. Criteria: Ambry Variant Classification Scheme 2023. Collection method: clinical testing. Allele origin: germline.